The following is an entry in ClinVar:

ClinVar aggregate classification (germline): Benign. Review status: criteria provided, multiple submitters, no conflicts (2 of 4 stars). 2 submissions from 2 submitters: Benign (2). Last evaluated 2018-06-15.

Allele frequency attached by ClinVar (database versions not stated): gnomAD exomes 0.13616; gnomAD 0.20839 and 0.21395; TOPMed 0.23175; 1000 Genomes Project 0.24581; 1000 Genomes Project 30x 0.25031.
gnomAD v4.1: 165,934 of 1,132,824 alleles (15%); highest among the groups gnomAD compares: African/African-American, 39%; 15,210 homozygotes.

Submissions (2):

GeneDx
Classification: Benign. Last evaluated: 2018-06-15. Review status: criteria provided, single submitter. Criteria: GeneDx Variant Classification (06012015). Collection method: clinical testing. Allele origin: germline. Affected: yes.
Comment: This variant is considered likely benign or benign based on one or more of the following criteria: it is a conservative change, it occurs at a poorly conserved position in the protein, it is predicted to be benign by multiple in silico algorithms, and/or has population frequency not consistent with disease.

Breakthrough Genomics
Classification: Benign. Review status: criteria provided, single submitter. Criteria: ACMG Guidelines, 2015. Collection method: not provided. Allele origin: germline. Inheritance: Autosomal dominant inheritance. Affected: yes.

NM_024334.3(TMEM43):c.12+130C>T

Gene: TMEM43 (transmembrane protein 43; plus strand). Cytogenetic location: 3p25.1.
Variant type: single nucleotide variant.
Coding change: c.12+130C>T on transcript NM_024334.3 (MANE Select); 130 bases into the intron after coding-DNA position 12, C replaced by T.
Molecular consequence: intron variant.
Genome position (GRCh38, 1-based): chr3:14,125,335, C>T. VCF-style: chr3-14125335-C-T. GRCh37 (hg19) VCF-style: chr3-14166835-C-T.
Identifiers: ClinVar variation 672164 (VCV000672164.2), dbSNP rs2733579, ClinGen allele CA11527717.